The following is an entry in ClinVar:

NM_006846.4(SPINK5):c.1220+2T>C

Gene: SPINK5 (serine peptidase inhibitor Kazal type 5; plus strand). Cytogenetic location: 5q32.
Variant type: single nucleotide variant.
Coding change: c.1220+2T>C on transcript NM_006846.4 (MANE Select); the canonical splice donor site of the intron after coding-DNA position 1220, T replaced by C.
Molecular consequence: splice donor variant.
Genome position (GRCh38, 1-based): chr5:148,100,583, T>C. VCF-style: chr5-148100583-T-C. GRCh37 (hg19) VCF-style: chr5-147480146-T-C.
Other names: c.1220+2T>C (NM_001127698.2, NM_001127699.2).
Identifiers: ClinVar variation 4713941 (VCV004713941.1).

ClinVar aggregate classification (germline): Likely pathogenic (1 of 4 stars; one submission).

Conditions:
Ichthyosis linearis circumflexa. Identifiers: MedGen C0265962, MONDO:0043106, HP:0025810.

gnomAD v4.1: 1 of 1,612,824 alleles (0.000062%); highest among the groups gnomAD compares: Non-Finnish European, 0.000085%; no homozygotes.

Submission:

Labcorp Genetics (formerly Invitae), Labcorp
Classification: Likely pathogenic for Ichthyosis linearis circumflexa. Last evaluated: 2025-03-31. Review status: criteria provided, single submitter. Criteria: Invitae Variant Classification Sherloc (09022015). Collection method: clinical testing. Allele origin: germline.
Comment: This sequence change affects a donor splice site in intron 13 of the SPINK5 gene. It is expected to disrupt RNA splicing. Variants that disrupt the donor or acceptor splice site typically lead to a loss of protein function (PMID: 16199547), and loss-of-function variants in SPINK5 are known to be pathogenic (PMID: 11511292, 11841556). This variant is not present in population databases (gnomAD no frequency). This variant has not been reported in the literature in individuals affected with SPINK5-related conditions. Algorithms developed to predict the effect of sequence changes on RNA splicing suggest that this variant may disrupt the consensus splice site. In summary, the currently available evidence indicates that the variant is pathogenic, but additional data are needed to prove that conclusively. Therefore, this variant has been classified as Likely Pathogenic.

Literature cited by the submitters: PubMed 16199547; PubMed 11511292; PubMed 11841556.